The following is an entry in ClinVar:

NM_001110556.2(FLNA):c.4075C>T (p.Arg1359Cys)

Gene: FLNA (filamin A; minus strand). Cytogenetic location: Xq28.
Variant type: single nucleotide variant.
Coding change: c.4075C>T on transcript NM_001110556.2 (MANE Select); coding-DNA position 4075, C replaced by T.
Protein change: p.Arg1359Cys; replaces arginine 1359 with cysteine.
Molecular consequence: missense variant.
Genome position (GRCh38, 1-based): chrX:154,359,551, G>A on the plus strand (C>T on the coding strand, the complement: FLNA is on the minus strand). VCF-style: chrX-154359551-G-A. GRCh37 (hg19) VCF-style: chrX-153587919-G-A.
Other names: c.4075C>T, p.Arg1359Cys (NM_001456.4); short protein forms R1359C.
Identifiers: ClinVar variation 405455 (VCV000405455.21), dbSNP rs369768801, ClinGen allele CA10560601.

ClinVar aggregate classification (germline): Conflicting classifications of pathogenicity. Review status: criteria provided, conflicting classifications (1 of 4 stars). 4 submissions from 4 submitters: Uncertain significance (3); Benign (1). Last evaluated 2026-01-02.

Conditions:
Heterotopia, periventricular, X-linked dominant (PVNH1). Also called: PERIVENTRICULAR NODULAR HETEROTOPIA 4; HETEROTOPIA, PERIVENTRICULAR, 1; PERIVENTRICULAR NODULAR HETEROTOPIA 1; X-linked periventricular heterotopia. Identifiers: Orphanet 2149, Orphanet 82004, MedGen C1848213, MONDO:0010233, OMIM 300049.
Oto-palato-digital syndrome, type II (OPD2). Also called: Otopalatodigital Syndrome, Type II; Otopalatodigital Syndrome Type 2 (FLNA-OPD2); FACIOPALATOOSSEOUS SYNDROME; OPD II SYNDROME. Identifiers: Orphanet 669, Orphanet 90652, MedGen C1844696, MONDO:0010571, OMIM 304120.
Frontometaphyseal dysplasia (FMD1). Identifiers: Orphanet 1826, MedGen C0265293, MONDO:0015942.
Melnick-Needles syndrome (MNS). Also called: Melnick-Needles Syndrome (FLNA-MNS); MELNICK-NEEDLES OSTEODYSPLASTY; OSTEODYSPLASTY OF MELNICK AND NEEDLES. Identifiers: Orphanet 2484, MedGen C0025237, MONDO:0010650, OMIM 309350.
Familial thoracic aortic aneurysm and aortic dissection (TAAD). Also called: Thoracic aortic aneurysms and dissections. Identifiers: Orphanet 91387, MedGen C4707243, MONDO:0019625.

Allele frequency attached by ClinVar (database versions not stated): gnomAD exomes 0.00001 and 0.00004; ExAC 0.00006; gnomAD 0.00007 and 0.00009; TOPMed 0.00007; ESP Exome Variant Server 0.00020.
gnomAD v4.1: 20 of 1,209,398 alleles (0.0017%); highest among the groups gnomAD compares: African/African-American, 0.017%; no homozygotes.

Submissions (4):

Labcorp Genetics (formerly Invitae), Labcorp
Classification: Benign for Oto-palato-digital syndrome, type II; Heterotopia, periventricular, X-linked dominant; Frontometaphyseal dysplasia; Melnick-Needles syndrome. Last evaluated: 2026-01-02. Review status: criteria provided, single submitter. Criteria: Invitae Variant Classification Sherloc (09022015). Collection method: clinical testing. Allele origin: germline.

Mayo Clinic Laboratories, Mayo Clinic
Classification: Uncertain significance. Last evaluated: 2025-08-26. Review status: criteria provided, single submitter. Criteria: ACMG Guidelines, 2015. Collection method: clinical testing. Allele origin: germline. Observed: 2 variant alleles.
Comment: BS2_supporting, PP2, PP3

GeneDx
Classification: Uncertain significance. Last evaluated: 2024-05-24. Review status: criteria provided, single submitter. Criteria: GeneDx Variant Classification Process June 2021. Collection method: clinical testing. Allele origin: germline. Affected: yes.
Comment: In silico analysis supports that this missense variant has a deleterious effect on protein structure/function; Has not been previously published as pathogenic or benign to our knowledge

Ambry Genetics
Classification: Uncertain significance for Familial thoracic aortic aneurysm and aortic dissection. Last evaluated: 2022-05-02. Review status: criteria provided, single submitter. Criteria: Ambry Variant Classification Scheme 2023. Collection method: clinical testing. Allele origin: germline.
Comment: The p.R1359C variant (also known as c.4075C>T), located in coding exon 23 of the FLNA gene, results from a C to T substitution at nucleotide position 4075. The arginine at codon 1359 is replaced by cysteine, an amino acid with highly dissimilar properties. Based on data from gnomAD, the T allele has an overall frequency of <0.01% (9/202257) total alleles studied, with 3 hemizygote(s) observed. The highest observed frequency was 0.03% (6/18200) of African alleles. This amino acid position is highly conserved in available vertebrate species. In addition, this alteration is predicted to be deleterious by in silico analysis. Since supporting evidence is limited at this time, the clinical significance of this alteration remains unclear.